The following is an entry in ClinVar:

ClinVar aggregate classification (germline): Pathogenic. Review status: criteria provided, single submitter (1 of 4 stars). 2 submissions from 2 submitters: Pathogenic (1). 1 of the submissions does not count toward it. Last evaluated 2024-02-02.

Conditions:
NIPBL-related disorder. Also called: NIPBL-related condition.
Cornelia de Lange syndrome 1 (CDLS1). Also called: Brachmann de Lange syndrome; NIPBL-Related Cornelia de Lange Syndrome; TYPUS DEGENERATIVUS AMSTELODAMENSIS. Identifiers: Orphanet 199, MedGen C4551851, MONDO:0007387, OMIM 122470.

Submissions (2):

MVZ Martinsried, Medicover Genetics
Classification: Pathogenic for Cornelia de Lange syndrome 1. Last evaluated: 2024-02-02. Review status: criteria provided, single submitter. Criteria: ACGS Guidelines, 2020. Collection method: clinical testing. Allele origin: de novo. Affected: yes.

PreventionGenetics, part of Exact Sciences
Classification: Likely pathogenic for NIPBL-related condition. Last evaluated: 2023-10-23. Review status: no assertion criteria provided. Collection method: clinical testing. Allele origin: germline. Not counted in ClinVar's aggregate classification.
Comment: The NIPBL c.2780_2784del5 variant is predicted to result in a frameshift and premature protein termination (p.Lys927Argfs*3). To our knowledge, this variant has not been reported in the literature or in a large population database, indicating this variant is rare. Frameshift variants in NIPBL are expected to be pathogenic. This variant is interpreted as likely pathogenic.

NM_133433.4(NIPBL):c.2780_2784del (p.Lys927fs)

Gene: NIPBL (NIPBL cohesin loading factor; plus strand). Cytogenetic location: 5p13.2.
Variant type: Deletion.
Coding change: c.2780_2784del on transcript NM_133433.4 (MANE Select); coding-DNA positions 2780 to 2784, 5 bases deleted (AAGTA; older notation c.2780_2784delAAGTA).
Protein change: p.Lys927fs; shifts the reading frame from lysine 927.
Molecular consequence: frameshift variant.
Genome position (GRCh38, 1-based): chr5:36,985,960-36,985,964, AAGTA deleted; deleting any 5 consecutive bases within chr5:36,985,956-36,985,964 gives the same sequence; the c. name uses the placement nearest the transcript's 3' end. VCF-style (leftmost placement, unchanged base first): chr5-36985955-GAGTAA-G. GRCh37 (hg19) VCF-style: chr5-36986057-GAGTAA-G.
Other names: c.2780_2784delAAGTA (NM_133433.4); c.2780_2784del, p.Lys927fs (NM_015384.5); short protein forms K927fs.
Identifiers: ClinVar variation 3029798 (VCV003029798.3), dbSNP rs2477938100, ClinGen allele CA2740091714.